The following is an entry in ClinVar:

ClinVar aggregate classification (germline): Likely benign (0 of 4 stars; one submission).

Conditions:
PRIMPOL-related disorder. Also called: PRIMPOL-related condition.

Allele frequency attached by ClinVar (database versions not stated): gnomAD exomes 0.00004; ExAC 0.00005; gnomAD 0.00008; TOPMed 0.00011; ESP Exome Variant Server 0.00015.
gnomAD v4.1: 71 of 1,590,542 alleles (0.0045%); highest among the groups gnomAD compares: Middle Eastern, 0.066%; no homozygotes.

Submission:

PreventionGenetics, part of Exact Sciences
Classification: Likely benign for PRIMPOL-related condition. Last evaluated: 2019-08-08. Review status: no assertion criteria provided. Collection method: clinical testing. Allele origin: germline.
Comment: This variant is classified as likely benign based on ACMG/AMP sequence variant interpretation guidelines (Richards et al. 2015 PMID: 25741868, with internal and published modifications).

NM_152683.4(PRIMPOL):c.278+3A>G

Gene: PRIMPOL (primase and DNA directed polymerase; plus strand). Cytogenetic location: 4q35.1.
Variant type: single nucleotide variant.
Coding change: c.278+3A>G on transcript NM_152683.4 (MANE Select); 3 bases into the intron after coding-DNA position 278, A replaced by G.
Molecular consequence: intron variant.
Genome position (GRCh38, 1-based): chr4:184,659,440, A>G. VCF-style: chr4-184659440-A-G. GRCh37 (hg19) VCF-style: chr4-185580594-A-G.
Other names: c.278+3A>G (NM_001345891.2, NM_001345893.2, NM_001300768.2 and 4 more transcripts); c.-289+3A>G (NM_001345894.2, NM_001345897.2, NM_001345898.2 and 1 more transcripts); c.31+3A>G (NM_001345900.2); c.-110+3A>G (NM_001300767.2).
Identifiers: ClinVar variation 3034847 (VCV003034847.2), dbSNP rs372052216, ClinGen allele CA3154240.